The following is an entry in ClinVar:

ClinVar aggregate classification (germline): Likely pathogenic (1 of 4 stars; one submission).

Conditions:
Zellweger spectrum disorders (ZS). Also called: Zellweger Spectrum Disorder (ZSD); Zellweger syndrome; Zellweger Spectrum Disorder; Zellweger Spectrum. Identifiers: Orphanet 912, MedGen C0043459, MONDO:0019609.

Submission:

Natera, Inc.
Classification: Likely pathogenic for Zellweger syndrome. Last evaluated: 2024-09-11. Review status: criteria provided, single submitter. Criteria: Natera Variant Classification Schema (03/2026). Collection method: clinical testing. Allele origin: germline.
Comment: The c.2659A>T variant in PEX1 is a nonsense variant predicted to introduce a stop codon at amino acid 887. This variant is expected to result in nonsense mediated decay, truncation, or a dysfunctional protein product. This variant is rare in the general population with a frequency below the threshold expected for the associated phenotype(s). Given the available evidence, this variant is classified as Likely Pathogenic.

NM_000466.3(PEX1):c.2659A>T (p.Lys887Ter)

Gene: PEX1 (peroxisomal biogenesis factor 1; minus strand). Cytogenetic location: 7q21.2.
Variant type: single nucleotide variant.
Coding change: c.2659A>T on transcript NM_000466.3 (MANE Select); coding-DNA position 2659, A replaced by T.
Protein change: p.Lys887Ter; replaces lysine 887 with a stop codon.
Molecular consequence: nonsense.
Genome position (GRCh38, 1-based): chr7:92,499,763, T>A on the plus strand (A>T on the coding strand, the complement: PEX1 is on the minus strand). VCF-style: chr7-92499763-T-A. GRCh37 (hg19) VCF-style: chr7-92129077-T-A.
Other names: c.2488A>T, p.Lys830Ter (NM_001282677.2); c.2035A>T, p.Lys679Ter (NM_001282678.2); short protein forms K679*, K830*, K887*.
Identifiers: ClinVar variation 4818395 (VCV004818395.1).